The following is an entry in ClinVar:

NM_000256.3(MYBPC3):c.3330+1G>T

Gene: MYBPC3 (myosin binding protein C3; minus strand). Cytogenetic location: 11p11.2.
Variant type: single nucleotide variant.
Coding change: c.3330+1G>T on transcript NM_000256.3 (MANE Select); the canonical splice donor site of the intron after coding-DNA position 3330, G replaced by T.
Molecular consequence: splice donor variant.
Genome position (GRCh38, 1-based): chr11:47,333,193, C>A on the plus strand (G>T on the coding strand, the complement: MYBPC3 is on the minus strand). VCF-style: chr11-47333193-C-A. GRCh37 (hg19) VCF-style: chr11-47354744-C-A.
Identifiers: ClinVar variation 520283 (VCV000520283.12), dbSNP rs1298025872, ClinGen allele CA380314001.

ClinVar aggregate classification (germline): Pathogenic/Likely pathogenic. Review status: criteria provided, multiple submitters, no conflicts (2 of 4 stars). 2 submissions from 2 submitters: Pathogenic (1); Likely pathogenic (1). Last evaluated 2020-06-21.

Conditions:
Cardiovascular phenotype. Identifiers: MedGen CN230736.
Hypertrophic cardiomyopathy. Also called: HYPERTROPHIC MYOCARDIOPATHY. Identifiers: Orphanet 217569, MedGen C0007194, MeSH D002312, MONDO:0005045, HP:0001639.

Submissions (2):

Labcorp Genetics (formerly Invitae), Labcorp
Classification: Pathogenic for Hypertrophic cardiomyopathy. Last evaluated: 2020-06-21. Review status: criteria provided, single submitter. Criteria: Invitae Variant Classification Sherloc (09022015). Collection method: clinical testing. Allele origin: germline.
Comment: Experimental studies have shown that disruption of this splice site affects mRNA splicing (PMID: 17937428, 25031304). For these reasons, this variant has been classified as Pathogenic. Donor and acceptor splice site variants typically lead to a loss of protein function (PMID: 16199547), and loss-of-function variants in MYBPC3 are known to be pathogenic (PMID: 19574547). Disruption of this splice site has been observed in individual(s) with hypertrophic cardiomyopathy (PMID: 17937428, 18403758, 21835286, 25031304). ClinVar contains an entry for this variant (Variation ID: 520283). This variant is not present in population databases (ExAC no frequency). This sequence change affects a donor splice site in intron 30 of the MYBPC3 gene. It is expected to disrupt RNA splicing and likely results in an absent or disrupted protein product.

Ambry Genetics
Classification: Likely pathogenic for Cardiovascular phenotype. Last evaluated: 2016-06-17. Review status: criteria provided, single submitter. Criteria: Ambry Variant Classification Scheme 2023. Collection method: clinical testing. Allele origin: germline.
Comment: The c.3330+1G>T intronic variant results from a G to T substitution one nucleotide after coding exon 30 of the MYBPC3 gene. This variant was not reported in population based cohorts in the following databases: Database of Single Nucleotide Polymorphisms (dbSNP), NHLBI Exome Sequencing Project (ESP), and 1000 Genomes Project. In the ESP, this variant was not observed in 6195 samples (12390 alleles) with coverage at this position. This nucleotide position is highly conserved in available vertebrate species. Using the BDGP and ESEfinder splice site prediction tools, this alteration is predicted to abolish the native splice donor site; however, direct evidence is unavailable. Since alterations that disrupt the canonical splice donor site are typically deleterious in nature, this alteration is likely to be pathogenic (ACMG Recommendations for Standards for Interpretation and Reporting of Sequence Variations. Revision 2007. Genet Med. 2008;10:294).

Literature cited by the submitters: PubMed 17937428 (cited by Labcorp Genetics (formerly Invitae), Labcorp); PubMed 25031304 (cited by Labcorp Genetics (formerly Invitae), Labcorp); PubMed 16199547 (cited by Labcorp Genetics (formerly Invitae), Labcorp); PubMed 19574547 (cited by Labcorp Genetics (formerly Invitae), Labcorp); PubMed 18403758 (cited by Labcorp Genetics (formerly Invitae), Labcorp); PubMed 21835286 (cited by Labcorp Genetics (formerly Invitae), Labcorp).